The following is an entry in ClinVar:

NM_001844.5(COL2A1):c.1069-16C>T

Gene: COL2A1 (collagen type II alpha 1 chain; minus strand). Cytogenetic location: 12q13.11.
Variant type: single nucleotide variant.
Coding change: c.1069-16C>T on transcript NM_001844.5 (MANE Select); 16 bases into the intron before coding-DNA position 1069, C replaced by T.
Molecular consequence: intron variant.
Genome position (GRCh38, 1-based): chr12:47,989,297, G>A on the plus strand (C>T on the coding strand, the complement: COL2A1 is on the minus strand). VCF-style: chr12-47989297-G-A. GRCh37 (hg19) VCF-style: chr12-48383080-G-A.
Other names: c.862-16C>T (NM_033150.3); c.1069-16C>T (NM_001844.4).
Identifiers: ClinVar variation 1561912 (VCV001561912.11), dbSNP rs760355253, ClinGen allele CA6535618.

ClinVar aggregate classification (germline): Likely benign. Review status: criteria provided, multiple submitters, no conflicts (2 of 4 stars). 3 submissions from 3 submitters: Likely benign (2). 1 of the submissions does not count toward it. Last evaluated 2026-01-27.

Conditions:
COL2A1-related disorder. Also called: COL2A1-related condition; COL2A1-related disorders.

Allele frequency attached by ClinVar (database versions not stated): gnomAD 0.00001; TOPMed 0.00002; gnomAD exomes 0.00003; ExAC 0.00004.
gnomAD v4.1: 27 of 1,610,692 alleles (0.0017%); highest among the groups gnomAD compares: East Asian, 0.013%; no homozygotes.

Submissions (3):

Labcorp Genetics (formerly Invitae), Labcorp
Classification: Likely benign. Last evaluated: 2026-01-27. Review status: criteria provided, single submitter. Criteria: Invitae Variant Classification Sherloc (09022015). Collection method: clinical testing. Allele origin: germline.

Blueprint Genetics
Classification: Likely benign. Last evaluated: 2024-03-18. Review status: criteria provided, single submitter. Criteria: ACMG Guidelines, 2015. Collection method: clinical testing. Allele origin: germline.

PreventionGenetics, part of Exact Sciences
Classification: Likely benign for COL2A1-related condition. Last evaluated: 2020-10-02. Review status: no assertion criteria provided. Collection method: clinical testing. Allele origin: germline. Not counted in ClinVar's aggregate classification.
Comment: This variant is classified as likely benign based on ACMG/AMP sequence variant interpretation guidelines (Richards et al. 2015 PMID: 25741868, with internal and published modifications).